The following is an entry in ClinVar:

NM_003119.4(SPG7):c.1098_1125del (p.Val368fs)

Gene: SPG7 (SPG7 matrix AAA peptidase subunit, paraplegin; plus strand). Cytogenetic location: 16q24.3.
Variant type: Deletion.
Coding change: c.1098_1125del on transcript NM_003119.4 (MANE Select); coding-DNA positions 1098 to 1125, 28 bases deleted (TCAGGTGCCCTTCCTGGCGATGGCCGGC).
Protein change: p.Val368fs; shifts the reading frame from valine 368.
Molecular consequence: frameshift variant.
Genome position (GRCh38, 1-based): chr16:89,532,014-89,532,041, TCAGGTGCCCTTCCTGGCGATGGCCGGC deleted; deleting any 28 consecutive bases within chr16:89,532,011-89,532,041 gives the same sequence; the c. name uses the placement nearest the transcript's 3' end. VCF-style (leftmost placement, unchanged base first): chr16-89532010-AGGCTCAGGTGCCCTTCCTGGCGATGGCC-A. GRCh37 (hg19) VCF-style: chr16-89598418-AGGCTCAGGTGCCCTTCCTGGCGATGGCC-A.
Other names: c.1098_1125del, p.Val368fs (NM_001363850.1, NM_199367.3); short protein forms V368fs.
Identifiers: ClinVar variation 1300155 (VCV001300155.3), dbSNP rs2152403474, ClinGen allele CA2573054305.

ClinVar aggregate classification (germline): Likely pathogenic. Review status: criteria provided, single submitter (1 of 4 stars). 2 submissions from 2 submitters: Likely pathogenic (1). 1 of the submissions does not count toward it. Last evaluated 2021-09-21.

Conditions:
Hereditary spastic paraplegia 7 (SPG7). Also called: Spastic paraplegia 7; Hereditary spastic paraplegia Paraplegin type; SPASTIC PARAPLEGIA 7, AUTOSOMAL RECESSIVE, WITH OR WITHOUT CEREBELLAR ATAXIA; Autosomal recessive spastic paraplegia type 7; SPG7-related neurologic disorder. Identifiers: Orphanet 99013, MedGen C1846564, MONDO:0011803, OMIM 607259.

Submissions (2):

Kariminejad - Najmabadi Pathology & Genetics Center
Classification: Likely pathogenic for Hereditary spastic paraplegia 7. Last evaluated: 2021-09-21. Review status: criteria provided, single submitter. Criteria: ACMG Guidelines, 2015. Collection method: clinical testing. Allele origin: germline. Inheritance: Autosomal recessive inheritance. Affected: yes.
Comment: PM2, PVS1

Neuromuscular Department, Shariati Hospital, Tehran University of Medical Sciences
Classification: Likely pathogenic for Hereditary spastic paraplegia 7. Last evaluated: 2021-10-17. Review status: no assertion criteria provided. Collection method: clinical testing. Allele origin: germline. Inheritance: Autosomal dominant inheritance. Affected: yes. Observed: 1 homozygote. Not counted in ClinVar's aggregate classification.
Comment: Electromyography demonstrated an anterior horn cell disorder.

Literature cited by the submitters: PubMed 34500365 (cited by Neuromuscular Department, Shariati Hospital, Tehran University of Medical Sciences).